The following is an entry in ClinVar:

NM_002485.5(NBN):c.1124G>T (p.Trp375Leu)

Gene: NBN (nibrin; minus strand). Cytogenetic location: 8q21.3.
Variant type: single nucleotide variant.
Coding change: c.1124G>T on transcript NM_002485.5 (MANE Select); coding-DNA position 1124, G replaced by T.
Protein change: p.Trp375Leu; replaces tryptophan 375 with leucine.
Molecular consequence: missense variant.
Genome position (GRCh38, 1-based): chr8:89,958,725, C>A on the plus strand (G>T on the coding strand, the complement: NBN is on the minus strand). VCF-style: chr8-89958725-C-A. GRCh37 (hg19) VCF-style: chr8-90970953-C-A.
Other names: c.878G>T, p.Trp293Leu (NM_001024688.3, NM_001440379.1, NM_001440380.1); short protein forms W293L, W375L.
Identifiers: ClinVar variation 5003351 (VCV005003351.1).

ClinVar aggregate classification (germline): Uncertain significance (1 of 4 stars; one submission).

Conditions:
Microcephaly, normal intelligence and immunodeficiency (NBS). Also called: SEEMANOVA SYNDROME II; Immunodeficiency, microcephaly with normal intelligence; Ataxia telangiectasia variant V1; IMMUNODEFICIENCY, MICROCEPHALY, AND CHROMOSOMAL INSTABILITY; Nijmegen breakage syndrome; Microcephaly with normal intelligence immunodeficiency and lymphoreticular malignancies. Identifiers: Orphanet 647, MedGen C0398791, MONDO:0009623, OMIM 251260.

Submission:

Myriad Genetics, Inc.
Classification: Uncertain significance for Microcephaly, normal intelligence and immunodeficiency. Last evaluated: 2026-05-22. Review status: criteria provided, single submitter. Criteria: Myriad Autosomal Dominant, Autosomal Recessive and X-Linked Classification Criteria (2023). Collection method: clinical testing. Allele origin: unknown.
Comment: NM_002485.4(NBN):c.1124G>T(W375L) is a missense variant classified as a variant of uncertain significance in the context of Nijmegen breakage syndrome. W375L has not been observed in cases with relevant disease. Relevant functional assessments of this variant are not available in the literature. W375L has not been observed in referenced population frequency databases. In summary, there is insufficient evidence to classify NM_002485.4(NBN):c.1124G>T(W375L) as pathogenic or benign. Please note: this variant was assessed in the context of healthy population screening.